The following is an entry in ClinVar:

Single allele

Genes: ALDOA (aldolase, fructose-bisphosphate A; plus strand), ASPHD1 (aspartate beta-hydroxylase domain containing 1; plus strand), C16orf54 (chromosome 16 open reading frame 54; minus strand), CDIPT (CDP-diacylglycerol--inositol 3-phosphatidyltransferase; minus strand), CORO1A (coronin 1A; plus strand) and 22 more. Cytogenetic location: 16p11.2.
Variant type: Deletion.
Identifiers: ClinVar variation 5043574 (VCV005043574.1).

ClinVar aggregate classification (germline): Pathogenic (1 of 4 stars; one submission).

Conditions:
Proximal 16p11.2 microdeletion syndrome. Also called: CHROMOSOME 16p11.2 DELETION SYNDROME, 593-KB; Chromosome 16p11.2 deletion syndrome; 16p11.2 Recurrent Deletion. Identifiers: Orphanet 261197, MedGen C3150154, MONDO:0012756, OMIM 611913.

Submission:

Department of Prenatal Diagnosis, Henan Provincial People’s Hospital
Classification: Pathogenic for Proximal 16p11.2 microdeletion syndrome. Last evaluated: 2026-11-25. Review status: criteria provided, single submitter. Criteria: ACMG/ClinGen CNV Guidelines, 2019. Collection method: research. Allele origin: germline. Affected: no. Observed: 1 variant allele.
Comment: Based on the "ACMG/ClinGen CNV Guidelines" (2019, PMID: 31690835), this deletion encompasses the established haploinsufficiency genomic region-16p11.2 recurrent region (proximal, BP4-BP5) (includes TBX6)，which satisfies the criteria for Evidence Type 2A and is assigned a score of 1. As a result, the observed copy number deletion in this case achieves a cumulative score of ≥0.99, classifying it as a pathogenic copy number variant.